The following is an entry in ClinVar:

NM_015272.5(RPGRIP1L):c.3299_3300dup (p.Ala1101fs)

Gene: RPGRIP1L (RPGRIP1 like; minus strand). Cytogenetic location: 16q12.2.
Variant type: Microsatellite.
Coding change: c.3299_3300dup on transcript NM_015272.5 (MANE Select); coding-DNA positions 3299 to 3300, 2 bases duplicated (TC; older notation c.3299_3300dupTC).
Protein change: p.Ala1101fs; shifts the reading frame from alanine 1101.
Molecular consequence: frameshift variant. On other transcripts: intron variant (2).
Genome position (GRCh38, 1-based): chr16:53,622,351-53,622,352, GA duplicated on the plus strand (TC on the coding strand, the reverse complement: RPGRIP1L is on the minus strand); duplicating any 2 consecutive bases within chr16:53,622,351-53,622,354 gives the same sequence; the c. name uses the placement nearest the transcript's 3' end. VCF-style (leftmost placement, unchanged base first): chr16-53622350-C-CGA. GRCh37 (hg19) VCF-style: chr16-53656262-C-CGA.
Other names: NM_015272.2:c.3299_3300dupTC; c.3299_3300dupTC (NM_015272.4); c.3197_3198dup, p.Ala1067fs (NM_001330538.2); c.3193-3146TC[3] (NM_001127897.4); c.3295-3146TC[3] (NM_001308334.3); short protein forms A1067fs, A1101fs.
Identifiers: ClinVar variation 208609 (VCV000208609.21), dbSNP rs797045104, ClinGen allele CA276019.

ClinVar aggregate classification (germline): Pathogenic/Likely pathogenic. Review status: criteria provided, multiple submitters, no conflicts (2 of 4 stars). 7 submissions from 7 submitters: Pathogenic (1); Likely pathogenic (6). Last evaluated 2026-01-26.

Conditions:
RPGRIP1L-related disorder. Also called: RPGRIP1L-related condition; RPGRIP1L-related disorders. Identifiers: MedGen CN239416.
Joubert syndrome and related disorders. Identifiers: Orphanet 140874, MedGen C5679612, MONDO:0015369.
Meckel-Gruber syndrome. Also called: Dysencephalia splachnocystica; DYSENCEPHALIA SPLANCHNOCYSTICA; GRUBER SYNDROME. Identifiers: Orphanet 564, MedGen C0265215, MONDO:0018921.
Joubert syndrome. Also called: Familial aplasia of the vermis; JOUBERT-BOLTSHAUSER SYNDROME. Identifiers: Orphanet 475, MedGen C5979921, MONDO:0018772.
Joubert syndrome 7 (JBTS7). Identifiers: Orphanet 220497, MedGen C1969053, MONDO:0012694, OMIM 611560.
Meckel syndrome, type 5 (MKS5). Identifiers: Orphanet 564, MedGen C1969052, MONDO:0012695, OMIM 611561.
COACH syndrome 3. Identifiers: MedGen C5436841, MONDO:0030862, OMIM 619113.

Submissions (7):

Labcorp Genetics (formerly Invitae), Labcorp
Classification: Pathogenic for Joubert syndrome; Meckel-Gruber syndrome. Last evaluated: 2026-01-26. Review status: criteria provided, single submitter. Criteria: Invitae Variant Classification Sherloc (09022015). Collection method: clinical testing. Allele origin: germline.
Comment: This sequence change creates a premature translational stop signal (p.Ala1101Serfs*34) in the RPGRIP1L gene. It is expected to result in an absent or disrupted protein product. Loss-of-function variants in RPGRIP1L are known to be pathogenic (PMID: 17558409). The frequency data for this variant in the population databases is considered unreliable, as metrics indicate poor data quality at this position in the gnomAD database. This variant has not been reported in the literature in individuals affected with RPGRIP1L-related conditions. ClinVar contains an entry for this variant (Variation ID: 208609). For these reasons, this variant has been classified as Pathogenic.

PreventionGenetics, part of Exact Sciences
Classification: Likely pathogenic for RPGRIP1L-related condition. Last evaluated: 2025-02-09. Review status: criteria provided, single submitter. Criteria: ACMG Guidelines, 2015. Collection method: clinical testing. Allele origin: germline.
Comment: The RPGRIP1L c.3299_3300dupTC variant is predicted to result in a frameshift and premature protein termination (p.Ala1101Serfs*34). To our knowledge, this variant has not been reported in the literature. This variant is reported in 0.047% of alleles in individuals of East Asian descent in gnomAD; however, allele frequency estimates may not be reliable due to poor data quality at this position. Frameshift variants in RPGRIP1L are expected to be pathogenic. This variant is interpreted as likely pathogenic.

Fulgent Genetics
Classification: Likely pathogenic for Joubert syndrome 7; Meckel syndrome, type 5; COACH syndrome 3. Last evaluated: 2024-05-24. Review status: criteria provided, single submitter. Criteria: ACMG Guidelines, 2015. Collection method: clinical testing. Allele origin: germline.

Women's Health and Genetics/Laboratory Corporation of America, LabCorp
Classification: Likely pathogenic for Joubert syndrome and related disorders. Last evaluated: 2022-08-10. Review status: criteria provided, single submitter. Criteria: LabCorp Variant Classification Summary - May 2015. Collection method: clinical testing. Allele origin: germline.
Comment: Variant summary: RPGRIP1L c.3299_3300dupTC (p.Ala1101SerfsX34) results in a premature termination codon, predicted to cause a truncation of the encoded protein or absence of the protein due to nonsense mediated decay, which are commonly known mechanisms for disease. Truncations downstream of this position have been cited in ClinVar and HGMD as pathogenic and disease-associated. The variant allele was found at a frequency of 2.7e-05 in 73014 control chromosomes (gnomAD). To our knowledge, no occurrence of c.3299_3300dupTC in individuals affected with Joubert Syndrome And Related Disorders and no experimental evidence demonstrating its impact on protein function have been reported. Three ClinVar submitters (evaluation after 2014) cite the variant as pathogenic/likely pathogenic. Based on the evidence outlined above, the variant was classified as likely pathogenic.

Blueprint Genetics
Classification: Likely pathogenic for RPGRIP1L-related disorders. Last evaluated: 2019-10-29. Review status: criteria provided, single submitter. Criteria: ACMG Guidelines, 2015. Collection method: clinical testing. Allele origin: germline. Affected: yes. Observed: 5 variant alleles.

Laboratory for Molecular Medicine, Mass General Brigham Personalized Medicine
Classification: Likely pathogenic for Joubert syndrome 7. Last evaluated: 2015-01-30. Review status: criteria provided, single submitter. Criteria: LMM Criteria. Collection method: clinical testing. Allele origin: germline. Inheritance: Autosomal recessive inheritance. Observed: 1 variant allele. Study: CSER-MedSeq.
Comment: The p.Ala1101SerfsX34 variant in RPGRIP1L has not been previously reported in individuals with RPGRIP1L-related disorders and data from large population studies is insufficient to assess the frequency of this variant. This variant is predicted to cause a frameshift, which alters the protein’s amino acid sequence beginning at position 1101 and leads to a premature termination codon 34 amino acids downstream. This alteration is then predicted to lead to a truncated or absent protein. Complete loss of RPGRIP1L function is an established disease mechanism in RPGRIP1L-related disorders such as Joubert syndrome and Meckel syndrome (Delous 2007). Moreover, Rpgrip1l -/- mice show a similar phenotype to individuals affected with these disorders including polydactyly, craniofacial malformations, and left-right symmetry defects (Vierkotten 2007). In summary, although additional studies are required to fully establish its clinical significance, the p.Ala1101SerfsX34 variant is likely pathogenic.

Juno Genomics, Hangzhou Juno Genomics, Inc
Classification: Likely pathogenic for COACH syndrome 3; Joubert syndrome 7; Meckel syndrome, type 5. Review status: criteria provided, single submitter. Criteria: ACMG Guidelines, 2015. Collection method: clinical testing. Allele origin: germline.
Comment: Null variant in a gene where loss of function (LOF) is a known mechanism of disease.;Absent from controls (or at extremely low frequency if recessive) in Genome Aggregation Database.

Literature cited by the submitters: PubMed 17558409 (cited by Labcorp Genetics (formerly Invitae), Labcorp and Laboratory for Molecular Medicine, Mass General Brigham Personalized Medicine); PubMed 17553904 (cited by Laboratory for Molecular Medicine, Mass General Brigham Personalized Medicine).